The following is an entry in ClinVar:

NM_207111.4(RNF216):c.986G>T (p.Trp329Leu)

Gene: RNF216 (ring finger protein 216; minus strand). Cytogenetic location: 7p22.1.
Variant type: single nucleotide variant.
Coding change: c.986G>T on transcript NM_207111.4 (MANE Select); coding-DNA position 986, G replaced by T.
Protein change: p.Trp329Leu; replaces tryptophan 329 with leucine.
Molecular consequence: missense variant.
Genome position (GRCh38, 1-based): chr7:5,741,031, C>A on the plus strand (G>T on the coding strand, the complement: RNF216 is on the minus strand). VCF-style: chr7-5741031-C-A. GRCh37 (hg19) VCF-style: chr7-5780662-C-A.
Other names: c.815G>T, p.Trp272Leu (NM_001377156.1, NM_207116.3); short protein forms W329L, W272L.
Identifiers: ClinVar variation 1900777 (VCV001900777.5), dbSNP rs1419567670, ClinGen allele CA366732718.

ClinVar aggregate classification (germline): Uncertain significance (1 of 4 stars; one submission).

Allele frequency attached by ClinVar (database versions not stated): gnomAD 0.00001.
gnomAD v4.1: 2 of 1,613,816 alleles (0.00012%); highest among the groups gnomAD compares: Admixed American, 0.0033%; no homozygotes.

Submission:

Labcorp Genetics (formerly Invitae), Labcorp
Classification: Uncertain significance. Last evaluated: 2022-01-25. Review status: criteria provided, single submitter. Criteria: Invitae Variant Classification Sherloc (09022015). Collection method: clinical testing. Allele origin: germline.
Comment: This variant has not been reported in the literature in individuals affected with RNF216-related conditions. Algorithms developed to predict the effect of missense changes on protein structure and function are either unavailable or do not agree on the potential impact of this missense change (SIFT: "Tolerated"; PolyPhen-2: "Possibly Damaging"; Align-GVGD: "Class C0"). In summary, the available evidence is currently insufficient to determine the role of this variant in disease. Therefore, it has been classified as a Variant of Uncertain Significance. The frequency data for this variant in the population databases is considered unreliable, as metrics indicate poor data quality at this position in the gnomAD database. This sequence change replaces tryptophan, which is neutral and slightly polar, with leucine, which is neutral and non-polar, at codon 329 of the RNF216 protein (p.Trp329Leu).